The following is an entry in ClinVar:

NM_032951.3(MLXIPL):c.2361C>A (p.Ser787=)

Gene: MLXIPL (MLX interacting protein like; minus strand). Cytogenetic location: 7q11.23.
Variant type: single nucleotide variant.
Coding change: c.2361C>A on transcript NM_032951.3 (MANE Select); coding-DNA position 2361, C replaced by A.
Protein change: p.Ser787=; no amino-acid change (serine 787 retained).
Molecular consequence: synonymous variant. On other transcripts: non-coding transcript variant (1).
Genome position (GRCh38, 1-based): chr7:73,594,353, G>T on the plus strand (C>A on the coding strand, the complement: MLXIPL is on the minus strand). VCF-style: chr7-73594353-G-T. GRCh37 (hg19) VCF-style: chr7-73008683-G-T.
Other names: c.2304C>A, p.Ser768= (NM_032952.3); c.2355C>A, p.Ser785= (NM_032953.3); c.2298C>A, p.Ser766= (NM_032954.3).
Identifiers: ClinVar variation 3898582 (VCV003898582.7).

ClinVar aggregate classification (germline): Likely benign (1 of 4 stars; one submission).

Submission:

CeGaT Center for Human Genetics Tuebingen
Classification: Likely benign. Last evaluated: 2025-04-01. Review status: criteria provided, single submitter. Criteria: CeGaT Center For Human Genetics Tuebingen Variant Classification Criteria Version 2. Collection method: clinical testing. Allele origin: germline. Affected: yes. Observed: 1 variant allele.
Comment: MLXIPL: PM2:Supporting, BP4, BP7